The following is an entry in ClinVar:

ClinVar aggregate classification (germline): Likely benign. Review status: criteria provided, multiple submitters, no conflicts (2 of 4 stars). 3 submissions from 3 submitters: Likely benign (2). 1 of the submissions does not count toward it. Last evaluated 2025-07-03.

Conditions:
UGT1A1-related disorder. Also called: UGT1A1-related disorders; UGT1A1-related condition.

Allele frequency attached by ClinVar (database versions not stated): gnomAD 0.00006; ExAC 0.00007; TOPMed 0.00012.
gnomAD v4.1: 78 of 1,614,002 alleles (0.0048%); highest among the groups gnomAD compares: Admixed American, 0.025%; no homozygotes.

Submissions (3):

Labcorp Genetics (formerly Invitae), Labcorp
Classification: Likely benign. Last evaluated: 2025-07-03. Review status: criteria provided, single submitter. Criteria: Invitae Variant Classification Sherloc (09022015). Collection method: clinical testing. Allele origin: germline.

Blueprint Genetics
Classification: Likely benign. Last evaluated: 2024-09-02. Review status: criteria provided, single submitter. Criteria: ACMG Guidelines, 2015. Collection method: clinical testing. Allele origin: germline.

PreventionGenetics, part of Exact Sciences
Classification: Likely benign for UGT1A1-related condition. Last evaluated: 2024-03-15. Review status: no assertion criteria provided. Collection method: clinical testing. Allele origin: germline. Not counted in ClinVar's aggregate classification.
Comment: This variant is classified as likely benign based on ACMG/AMP sequence variant interpretation guidelines (Richards et al. 2015 PMID: 25741868, with internal and published modifications).

NM_000463.3(UGT1A1):c.687G>A (p.Pro229=)

Genes: UGT1A (UDP glucuronosyltransferase family 1 member A complex locus; plus strand), UGT1A1 (UDP glucuronosyltransferase family 1 member A1; plus strand), UGT1A10 (UDP glucuronosyltransferase family 1 member A10; plus strand), UGT1A3 (UDP glucuronosyltransferase family 1 member A3; plus strand), UGT1A4 (UDP glucuronosyltransferase family 1 member A4; plus strand) and 5 more. Cytogenetic location: 2q37.1.
Variant type: single nucleotide variant.
Coding change: c.687G>A on transcript NM_000463.3 (MANE Select); coding-DNA position 687, G replaced by A.
Protein change: p.Pro229=; no amino-acid change (proline 229 retained).
Molecular consequence: synonymous variant. On other transcripts: intron variant (9).
Genome position (GRCh38, 1-based): chr2:233,760,974, G>A. VCF-style: chr2-233760974-G-A. GRCh37 (hg19) VCF-style: chr2-234669620-G-A.
Other names: c.856-6060G>A (NM_019076.5, NM_019075.4, NM_021027.3 and 1 more transcripts); c.61-6060G>A (NM_205862.3); c.862-6060G>A (NM_001072.4); c.868-6060G>A (NM_019078.2, NM_007120.3, NM_019093.4).
Identifiers: ClinVar variation 2884494 (VCV002884494.5), dbSNP rs753668254, ClinGen allele CA2179871.
Genomic context (GRCh38, chr2:233,760,974, plus strand): 5'-GGTGAAGAACATGCTCATTGCCTTTTCACAGAACTTTCTGTGCGACGTGGTTTATTCCCC[G>A]TATGCAACCCTTGCCTCAGAATTCCTTCAGAGAGAGGTGACTGTCCAGGACCTATTGAGC-3'
Protein context (NP_000454.1, residues 219-239): QNFLCDVVYS[Pro229=]YATLASEFLQ